The following is an entry in ClinVar:

ClinVar aggregate classification (germline): Uncertain significance (1 of 4 stars; one submission).

Conditions:
Hereditary cancer-predisposing syndrome. Also called: Tumor predisposition; Hereditary neoplastic syndrome; Hereditary Cancer Syndrome; Neoplastic Syndromes, Hereditary. Identifiers: Orphanet 140162, MedGen C0027672, MeSH D009386, MONDO:0015356.

Submission:

Ambry Genetics
Classification: Uncertain significance for Hereditary cancer-predisposing syndrome. Last evaluated: 2024-03-02. Review status: criteria provided, single submitter. Criteria: Ambry Variant Classification Scheme 2023. Collection method: clinical testing. Allele origin: germline.
Comment: The p.K642N variant (also known as c.1926G>C), located in coding exon 7 of the AXIN2 gene, results from a G to C substitution at nucleotide position 1926. The lysine at codon 642 is replaced by asparagine, an amino acid with similar properties. This amino acid position is conserved. In addition, this alteration is predicted to be tolerated by in silico analysis. Based on the available evidence, the clinical significance of this alteration remains unclear.

NM_004655.4(AXIN2):c.1926G>C (p.Lys642Asn)

Gene: AXIN2 (axin 2; minus strand). Cytogenetic location: 17q24.1.
Variant type: single nucleotide variant.
Coding change: c.1926G>C on transcript NM_004655.4 (MANE Select); coding-DNA position 1926, G replaced by C.
Protein change: p.Lys642Asn; replaces lysine 642 with asparagine.
Molecular consequence: missense variant.
Genome position (GRCh38, 1-based): chr17:65,536,535, C>G on the plus strand (G>C on the coding strand, the complement: AXIN2 is on the minus strand). VCF-style: chr17-65536535-C-G. GRCh37 (hg19) VCF-style: chr17-63532653-C-G.
Other names: c.1731G>C, p.Lys577Asn (NM_001363813.1); short protein forms K577N, K642N.
Identifiers: ClinVar variation 3224383 (VCV003224383.1), dbSNP rs2043921696, ClinGen allele CA400676317.